The following is an entry in ClinVar:

NM_003002.4(SDHD):c.148C>G (p.His50Asp)

Gene: SDHD (succinate dehydrogenase complex subunit D; plus strand). Cytogenetic location: 11q23.1.
Variant type: single nucleotide variant.
Coding change: c.148C>G on transcript NM_003002.4 (MANE Select); coding-DNA position 148, C replaced by G.
Protein change: p.His50Asp; replaces histidine 50 with aspartic acid.
Molecular consequence: missense variant. On other transcripts: non-coding transcript variant (1), intron variant (1).
Genome position (GRCh38, 1-based): chr11:112,087,952, C>G. VCF-style: chr11-112087952-C-G. GRCh37 (hg19) VCF-style: chr11-111958676-C-G.
Other names: c.148C>G, p.His50Asp (NM_001276503.2, NM_001276506.2); c.53-915C>G (NM_001276504.2); short protein forms H50D.
Identifiers: ClinVar variation 431847 (VCV000431847.22), dbSNP rs779249550, ClinGen allele CA382617089.

ClinVar aggregate classification (germline): Conflicting classifications of pathogenicity. Review status: criteria provided, conflicting classifications (1 of 4 stars). 8 submissions from 8 submitters: Pathogenic (1); Likely pathogenic (4); Uncertain significance (2). 1 of the submissions does not count toward it. Last evaluated 2025-10-14.

Conditions:
Paragangliomas with sensorineural hearing loss. Identifiers: MedGen C1868633.
Pheochromocytoma. Also called: MAX-Related Hereditary Paraganglioma-Pheochromocytoma Syndrome. Identifiers: Orphanet 29072, MedGen C0031511, MONDO:0008233, OMIM 171300, HP:0002666.
Cowden syndrome 3 (CWS3). Identifiers: Orphanet 201, MedGen CN166604, MONDO:0014045.
Carney-Stratakis syndrome. Also called: PARAGANGLIOMA AND GASTROINTESTINAL STROMAL TUMOR. Identifiers: Orphanet 97286, MedGen C1847319, MONDO:0011740, OMIM 606864.
Hereditary cancer-predisposing syndrome. Also called: Neoplastic Syndromes, Hereditary; Hereditary neoplastic syndrome; Tumor predisposition; Hereditary Cancer Syndrome. Identifiers: Orphanet 140162, MedGen C0027672, MeSH D009386, MONDO:0015356.
Hereditary pheochromocytoma and paraganglioma. Also called: Hereditary Paraganglioma-Pheochromocytoma Syndromes; Hereditary paragangliomas and pheochromocytomas; Hereditary pheochromocytoma-paraganglioma. Identifiers: Orphanet 29072, MedGen C4274332, MONDO:0017366.
Pheochromocytoma/paraganglioma syndrome 1. Also called: Paragangliomas 1; Glomus tumors familial 1; Paraganglioma - glomus jugulare; SDHD-Related Hereditary Paraganglioma-Pheochromocytoma Syndrome; PARAGANGLIOMAS, FAMILIAL NONCHROMAFFIN, 1; PGL 1. Identifiers: Orphanet 29072, MedGen C3494181, MONDO:0008192, OMIM 168000.

Submissions (8):

Women's Health and Genetics/Laboratory Corporation of America, LabCorp
Classification: Likely pathogenic for Hereditary pheochromocytoma and paraganglioma. Last evaluated: 2025-10-14. Review status: criteria provided, single submitter. Criteria: LabCorp Variant Classification Summary - May 2015. Collection method: clinical testing. Allele origin: germline.
Comment: Variant summary: SDHD c.148C>G (p.His50Asp) results in a non-conservative amino acid change in the encoded protein sequence. Algorithms developed to predict the effect of missense changes on protein structure and function all suggest that this variant is likely to be disruptive. The variant allele was found at a frequency of 4e-06 in 251456 control chromosomes. c.148C>G has been observed in the heterozygous state in multiple individuals affected with clinical features of Hereditary Paraganglioma-Pheochromocytoma Syndrome (example: Garrett_2022, Kung_2011, Labcorp Genetics (formerly Invitae)). These data indicate that the variant is likely to be associated with disease. To our knowledge, no experimental evidence demonstrating an impact on protein function has been reported. The following publication has been ascertained in the context of this evaluation (PMID: 34906457). ClinVar contains an entry for this variant (Variation ID: 431847). Based on the evidence outlined above, the variant was classified as likely pathogenic.

Labcorp Genetics (formerly Invitae), Labcorp
Classification: Likely pathogenic for Carney-Stratakis syndrome; Paragangliomas with sensorineural hearing loss; Pheochromocytoma; Cowden syndrome 3. Last evaluated: 2025-09-16. Review status: criteria provided, single submitter. Criteria: Invitae Variant Classification Sherloc (09022015). Collection method: clinical testing. Allele origin: germline.
Comment: This sequence change replaces histidine, which is basic and polar, with aspartic acid, which is acidic and polar, at codon 50 of the SDHD protein (p.His50Asp). This variant is present in population databases (no rsID available, gnomAD 0.0009%). This missense change has been observed in individuals with paraganglioma (PMID: 34906457; internal data). ClinVar contains an entry for this variant (Variation ID: 431847). Invitae Evidence Modeling of protein sequence and biophysical properties (such as structural, functional, and spatial information, amino acid conservation, physicochemical variation, residue mobility, and thermodynamic stability) indicates that this missense variant is not expected to disrupt SDHD protein function with a negative predictive value of 80%. In summary, the currently available evidence indicates that the variant is pathogenic, but additional data are needed to prove that conclusively. Therefore, this variant has been classified as Likely Pathogenic.

Molecular Pathology, Peter Maccallum Cancer Centre
Classification: Pathogenic for Pheochromocytoma/paraganglioma syndrome 1. Last evaluated: 2025-02-27. Review status: criteria provided, single submitter. Criteria: ACMG Guidelines, 2015. Collection method: clinical testing. Allele origin: germline. Inheritance: Autosomal dominant inheritance.

Ambry Genetics
Classification: Likely pathogenic for Hereditary cancer-predisposing syndrome. Last evaluated: 2024-10-04. Review status: criteria provided, single submitter. Criteria: Ambry Variant Classification Scheme 2023. Collection method: clinical testing. Allele origin: germline.
Comment: The p.H50D variant (also known as c.148C>G), located in coding exon 2 of the SDHD gene, results from a C to G substitution at nucleotide position 148. The histidine at codon 50 is replaced by aspartic acid, an amino acid with similar properties. This alteration has been observed in at least one individual with a personal and/or family history that is consistent with SDHD-related disease (Ambry internal data). Familial testing determined that the patient's affected brother was positive for this alteration and their unaffected mother was negative, consistent with paternal inheritance (Kung JT, Oh DK. Identification of an Occult Functioning Cardiac Paraganglioma in a Patient with a Novel SDHD Mutation Causing Familial Paraganglioma Syndrome [abstract]. In: The Endocrine Society's 93rd Annual Meeting & Expo. 2011 Jun 4-7; Boston. Abstract P2-664). This amino acid position is highly conserved in available vertebrate species. In addition, this alteration is predicted to be deleterious by in silico analysis. Based on the majority of available evidence to date, this variant is likely to be pathogenic.

All of Us Research Program, National Institutes of Health
Classification: Uncertain significance for Hereditary pheochromocytoma and paraganglioma. Last evaluated: 2024-03-24. Review status: criteria provided, single submitter. Criteria: ACMG Guidelines, 2015. Collection method: clinical testing. Allele origin: germline. Inheritance: Autosomal dominant inheritance. Observed: 1 variant allele, 1 heterozygote.
Comment: This missense variant replaces histidine with aspartic acid at codon 50 of the SDHD protein. Computational prediction suggests that this variant may have deleterious impact on protein structure and function (internally defined REVEL score threshold >= 0.7, PMID: 27666373). To our knowledge, functional studies have not been reported for this variant. This variant has been reported in individuals affected with paraganglioma (ClinVar Variation ID: 431847). This variant has been identified in 1/251456 chromosomes in the general population by the Genome Aggregation Database (gnomAD). The available evidence is insufficient to determine the role of this variant in disease conclusively. Therefore, this variant is classified as a Variant of Uncertain Significance.

This study involves interpretation of variants in research participants for the purpose of population health screening. Participant phenotype was not available at the time of variant classification. Additional details can be found in publication PMID: 35346344, PMCID: PMC8962531

Color Diagnostics, LLC DBA Color Health
Classification: Uncertain significance for Hereditary pheochromocytoma and paraganglioma. Last evaluated: 2023-12-17. Review status: criteria provided, single submitter. Criteria: ACMG Guidelines, 2015. Collection method: clinical testing. Allele origin: germline.
Comment: This missense variant replaces histidine with aspartic acid at codon 50 of the SDHD protein. Computational prediction suggests that this variant may have deleterious impact on protein structure and function (internally defined REVEL score threshold >= 0.7, PMID: 27666373). To our knowledge, functional studies have not been reported for this variant. This variant has been reported in individuals affected with paraganglioma (ClinVar Variation ID: 431847). This variant has been identified in 1/251456 chromosomes in the general population by the Genome Aggregation Database (gnomAD). The available evidence is insufficient to determine the role of this variant in disease conclusively. Therefore, this variant is classified as a Variant of Uncertain Significance.

GeneDx
Classification: Likely pathogenic. Last evaluated: 2017-05-19. Review status: criteria provided, single submitter. Criteria: GeneDx Variant Classification (06012015). Collection method: clinical testing. Allele origin: germline. Affected: yes.
Comment: The H50D variant has previously been reported in at least one individual with bilateral carotid body paragangliomas (Kung and Oh, 2011). This variant is not observed in large population cohorts (Lek et al., 2016; 1000 Genomes Consortium et al., 2015; Exome Variant Server). The H50D variant is a non-conservative amino acid substitution, which is likely to impact secondary protein structure as these residues differ in polarity, charge, size and/or other properties. This substitution occurs at a position that is conserved in mammals, and in silico analysis predicts this variant is probably damaging to the protein structure/function. Based on currently available evidence, H50D is a strong candidate for a pathogenic variant. However, the possibility it could be a rare benign variant cannot be excluded.

Section on Medical Neuroendocrinolgy, National Institutes of Health
Classification: Uncertain significance for Hereditary pheochromocytoma and paraganglioma. Review status: no assertion criteria provided. Collection method: research. Allele origin: germline. Affected: yes. Not counted in ClinVar's aggregate classification.

Literature cited by the submitters: PubMed 34906457 (cited by Women's Health and Genetics/Laboratory Corporation of America, LabCorp and Labcorp Genetics (formerly Invitae), Labcorp).